The following is an entry in ClinVar:

NM_001384474.1(LOXHD1):c.6182+4G>A

Gene: LOXHD1 (lipoxygenase homology PLAT domains 1; minus strand). Cytogenetic location: 18q21.1.
Variant type: single nucleotide variant.
Coding change: c.6182+4G>A on transcript NM_001384474.1 (MANE Select); 4 bases into the intron after coding-DNA position 6182, G replaced by A.
Molecular consequence: intron variant.
Genome position (GRCh38, 1-based): chr18:46,485,015, C>T on the plus strand (G>A on the coding strand, the complement: LOXHD1 is on the minus strand). VCF-style: chr18-46485015-C-T. GRCh37 (hg19) VCF-style: chr18-44064978-C-T.
Other names: c.2849+4G>A (NM_001145472.3); c.2561+4G>A (NM_001308013.2); c.899+4G>A (NM_001173129.2, NM_001145473.3); c.5996+4G>A (NM_144612.7).
Identifiers: ClinVar variation 3059712 (VCV003059712.2), dbSNP rs1252453892, ClinGen allele CA629504985.

ClinVar aggregate classification (germline): Likely benign (0 of 4 stars; one submission).

Conditions:
LOXHD1-related disorder. Also called: LOXHD1-related condition.

Allele frequency attached by ClinVar (database versions not stated): gnomAD exomes below 0.00001; gnomAD 0.00002; TOPMed 0.00002.
gnomAD v4.1: 7 of 1,550,750 alleles (0.00045%); highest among the groups gnomAD compares: African/African-American, 0.0082%; no homozygotes.

Submission:

PreventionGenetics, part of Exact Sciences
Classification: Likely benign for LOXHD1-related condition. Last evaluated: 2023-11-06. Review status: no assertion criteria provided. Collection method: clinical testing. Allele origin: germline.
Comment: This variant is classified as likely benign based on ACMG/AMP sequence variant interpretation guidelines (Richards et al. 2015 PMID: 25741868, with internal and published modifications).